The following is an entry in ClinVar:

ClinVar aggregate classification (germline): Likely benign (1 of 4 stars; one submission).

gnomAD v4.1: 462 of 1,614,096 alleles (0.029%); highest among the groups gnomAD compares: Middle Eastern, 0.28%; 3 homozygotes.

Submission:

CeGaT Center for Human Genetics Tuebingen
Classification: Likely benign. Last evaluated: 2026-09-01. Review status: criteria provided, single submitter. Criteria: CeGaT Center For Human Genetics Tuebingen Variant Classification Criteria Version 2. Collection method: clinical testing. Allele origin: germline. Affected: yes. Observed: 3 variant alleles.
Comment: ITPR3: BP4, BP7, BS1

NM_002224.4(ITPR3):c.7845C>T (p.Gly2615=)

Genes: ITPR3 (inositol 1,4,5-trisphosphate receptor type 3; plus strand), LOC126859658 (CDK7 strongly-dependent group 2 enhancer GRCh37_chr6:33662237-33663436; plus strand). Cytogenetic location: 6p21.31.
Variant type: single nucleotide variant.
Coding change: c.7845C>T on transcript NM_002224.4 (MANE Select); coding-DNA position 7845, C replaced by T.
Protein change: p.Gly2615=; no amino-acid change (glycine 2615 retained).
Molecular consequence: synonymous variant.
Genome position (GRCh38, 1-based): chr6:33,694,983, C>T. VCF-style: chr6-33694983-C-T. GRCh37 (hg19) VCF-style: chr6-33662760-C-T.
Identifiers: ClinVar variation 4872267 (VCV004872267.2).